The following is an entry in ClinVar:

NM_172364.5(CACNA2D4):c.1633C>T (p.Pro545Ser)

Gene: CACNA2D4 (calcium voltage-gated channel auxiliary subunit alpha2delta 4; minus strand). Cytogenetic location: 12p13.33.
Variant type: single nucleotide variant.
Coding change: c.1633C>T on transcript NM_172364.5 (MANE Select); coding-DNA position 1633, C replaced by T.
Protein change: p.Pro545Ser; replaces proline 545 with serine.
Molecular consequence: missense variant.
Genome position (GRCh38, 1-based): chr12:1,878,967, G>A on the plus strand (C>T on the coding strand, the complement: CACNA2D4 is on the minus strand). VCF-style: chr12-1878967-G-A. GRCh37 (hg19) VCF-style: chr12-1988133-G-A.
Other names: short protein forms P545S.
Identifiers: ClinVar variation 1024858 (VCV001024858.8), dbSNP rs199622453, ClinGen allele CA6387057.

ClinVar aggregate classification (germline): Conflicting classifications of pathogenicity. Review status: criteria provided, conflicting classifications (1 of 4 stars). 2 submissions from 2 submitters: Uncertain significance (1); Likely benign (1). Last evaluated 2025-03-10.

Allele frequency attached by ClinVar (database versions not stated): gnomAD exomes 0.00003 and 0.00009; ExAC 0.00011; ESP Exome Variant Server 0.00016; 1000 Genomes Project 0.00020; 1000 Genomes Project 30x 0.00031; gnomAD 0.00034 and 0.00038; TOPMed 0.00036.
gnomAD v4.1: 92 of 1,613,786 alleles (0.0057%); highest among the groups gnomAD compares: African/African-American, 0.11%; no homozygotes.

Submissions (2):

Labcorp Genetics (formerly Invitae), Labcorp
Classification: Uncertain significance. Last evaluated: 2025-03-10. Review status: criteria provided, single submitter. Criteria: Invitae Variant Classification Sherloc (09022015). Collection method: clinical testing. Allele origin: germline.
Comment: This sequence change replaces proline, which is neutral and non-polar, with serine, which is neutral and polar, at codon 545 of the CACNA2D4 protein (p.Pro545Ser). This variant is present in population databases (rs199622453, gnomAD 0.1%), and has an allele count higher than expected for a pathogenic variant. This variant has not been reported in the literature in individuals affected with CACNA2D4-related conditions. ClinVar contains an entry for this variant (Variation ID: 1024858). An algorithm developed to predict the effect of missense changes on protein structure and function (PolyPhen-2) suggests that this variant is likely to be disruptive. In summary, the available evidence is currently insufficient to determine the role of this variant in disease. Therefore, it has been classified as a Variant of Uncertain Significance.

Blueprint Genetics
Classification: Likely benign. Last evaluated: 2024-02-09. Review status: criteria provided, single submitter. Criteria: ACMG Guidelines, 2015. Collection method: clinical testing. Allele origin: germline.